The following is an entry in ClinVar:

ClinVar aggregate classification (germline): Uncertain significance (1 of 4 stars; one submission).

Conditions:
Primary ciliary dyskinesia. Also called: Ciliary dyskinesia. Identifiers: Orphanet 244, MedGen C0008780, MONDO:0016575, HP:0012265.

Submission:

Labcorp Genetics (formerly Invitae), Labcorp
Classification: Uncertain significance for Primary ciliary dyskinesia. Last evaluated: 2024-10-29. Review status: criteria provided, single submitter. Criteria: Invitae Variant Classification Sherloc (09022015). Collection method: clinical testing. Allele origin: germline.
Comment: This sequence change replaces leucine, which is neutral and non-polar, with tryptophan, which is neutral and slightly polar, at codon 502 of the DNAH8 protein (p.Leu502Trp). This variant is not present in population databases (gnomAD no frequency). This variant has not been reported in the literature in individuals affected with DNAH8-related conditions. Experimental studies and prediction algorithms are not available or were not evaluated, and the functional significance of this variant is currently unknown. In summary, the available evidence is currently insufficient to determine the role of this variant in disease. Therefore, it has been classified as a Variant of Uncertain Significance.

NM_001206927.2(DNAH8):c.1505T>G (p.Leu502Trp)

Genes: DNAH8 (dynein axonemal heavy chain 8; plus strand), LOC126859668 (P300/CBP strongly-dependent group 1 enhancer GRCh37_chr6:38723390-38724589; plus strand). Cytogenetic location: 6p21.2.
Variant type: single nucleotide variant.
Coding change: c.1505T>G on transcript NM_001206927.2 (MANE Select); coding-DNA position 1505, T replaced by G.
Protein change: p.Leu502Trp; replaces leucine 502 with tryptophan.
Molecular consequence: missense variant.
Genome position (GRCh38, 1-based): chr6:38,756,069, T>G. VCF-style: chr6-38756069-T-G. GRCh37 (hg19) VCF-style: chr6-38723845-T-G.
Other names: c.854T>G, p.Leu285Trp (NM_001371.4); short protein forms L502W, L285W.
Identifiers: ClinVar variation 3720018 (VCV003720018.2).